The following is an entry in ClinVar:

ClinVar aggregate classification (germline): Pathogenic (1 of 4 stars; one submission).

Conditions:
Hereditary cancer-predisposing syndrome. Also called: Neoplastic Syndromes, Hereditary; Tumor predisposition; Hereditary Cancer Syndrome; Hereditary neoplastic syndrome. Identifiers: Orphanet 140162, MedGen C0027672, MeSH D009386, MONDO:0015356.

Submission:

Ambry Genetics
Classification: Pathogenic for Hereditary cancer-predisposing syndrome. Last evaluated: 2026-05-26. Review status: criteria provided, single submitter. Criteria: Ambry Variant Classification Scheme 2023. Collection method: clinical testing. Allele origin: germline.
Comment: The c.1904delC pathogenic mutation, located in coding exon 13 of the CTNNA1 gene, results from a deletion of one nucleotide at nucleotide position 1904, causing a translational frameshift with a predicted alternate stop codon (p.P635Lfs*29). This variant is considered to be rare based on population cohorts in the Genome Aggregation Database (gnomAD). This alteration is expected to result in loss of function by premature protein truncation or nonsense-mediated mRNA decay. As such, this alteration is interpreted as a disease-causing mutation.

NM_001903.5(CTNNA1):c.1904del (p.Pro635fs)

Gene: CTNNA1 (catenin alpha 1; plus strand). Cytogenetic location: 5q31.2.
Variant type: Deletion.
Coding change: c.1904del on transcript NM_001903.5 (MANE Select); coding-DNA position 1904, one base deleted (C; older notation c.1904delC).
Protein change: p.Pro635fs; shifts the reading frame from proline 635.
Molecular consequence: frameshift variant.
Genome position (GRCh38, 1-based): chr5:138,929,250, C deleted; the last of 4 consecutive C bases (chr5:138,929,247-138,929,250); deleting any one gives the same sequence. VCF-style (leftmost placement, unchanged base first): chr5-138929246-AC-A. GRCh37 (hg19) VCF-style: chr5-138264935-AC-A.
Other names: c.551del, p.Pro184fs (NM_001324012.1, NM_001324013.1); c.1904del, p.Pro635fs (NM_001323984.2, NM_001323985.2, NM_001290307.3 and 2 more transcripts); c.1811del, p.Pro604fs (NM_001323986.2); c.794del, p.Pro265fs (NM_001323987.1, NM_001323988.1, NM_001323989.1 and 17 more transcripts); c.455del, p.Pro152fs (NM_001324006.1, NM_001324007.1, NM_001324008.1 and 2 more transcripts); c.701del, p.Pro234fs (NM_001324011.1); c.1595del, p.Pro532fs (NM_001290309.3); c.1535del, p.Pro512fs (NM_001290310.3); short protein forms P152fs, P184fs, P234fs, P265fs, P512fs, P532fs, P604fs, P635fs.
Identifiers: ClinVar variation 4869482 (VCV004869482.1).